The following is an entry in ClinVar:

ClinVar aggregate classification (germline): Uncertain significance (1 of 4 stars; one submission).

gnomAD v4.1: 10 of 1,611,338 alleles (0.00062%); highest among the groups gnomAD compares: Non-Finnish European, 0.00068%; no homozygotes.

Submission:

Labcorp Genetics (formerly Invitae), Labcorp
Classification: Uncertain significance. Last evaluated: 2025-09-30. Review status: criteria provided, single submitter. Criteria: Invitae Variant Classification Sherloc (09022015). Collection method: clinical testing. Allele origin: germline.
Comment: This sequence change replaces alanine, which is neutral and non-polar, with threonine, which is neutral and polar, at codon 179 of the STX16 protein (p.Ala179Thr). The frequency data for this variant in the population databases is considered unreliable, as metrics indicate poor data quality at this position in the gnomAD database. This variant has not been reported in the literature in individuals affected with STX16-related conditions. ClinVar contains an entry for this variant (Variation ID: 1961213). Invitae Evidence Modeling of protein sequence and biophysical properties (such as structural, functional, and spatial information, amino acid conservation, physicochemical variation, residue mobility, and thermodynamic stability) indicates that this missense variant is not expected to disrupt STX16 protein function with a negative predictive value of 80%. In summary, the available evidence is currently insufficient to determine the role of this variant in disease. Therefore, it has been classified as a Variant of Uncertain Significance.

NM_001001433.3(STX16):c.535G>A (p.Ala179Thr)

Genes: STX16 (syntaxin 16; plus strand), STX16-NPEPL1 (STX16-NPEPL1 readthrough (NMD candidate); plus strand). Cytogenetic location: 20q13.32.
Variant type: single nucleotide variant.
Coding change: c.535G>A on transcript NM_001001433.3 (MANE Select); coding-DNA position 535, G replaced by A.
Protein change: p.Ala179Thr; replaces alanine 179 with threonine.
Molecular consequence: missense variant. On other transcripts: non-coding transcript variant (1).
Genome position (GRCh38, 1-based): chr20:58,669,432, G>A. VCF-style: chr20-58669432-G-A. GRCh37 (hg19) VCF-style: chr20-57244488-G-A.
Other names: c.523G>A, p.Ala175Thr (NM_001134772.3); c.484G>A, p.Ala162Thr (NM_001134773.3); c.376G>A, p.Ala126Thr (NM_001204868.2); c.472G>A, p.Ala158Thr (NM_003763.6); short protein forms A162T, A179T, A158T, A126T, A175T.
Identifiers: ClinVar variation 1961213 (VCV001961213.5), dbSNP rs765364172, ClinGen allele CA9925347.